The following is an entry in ClinVar:

NM_032607.3(CREB3L3):c.1041C>T (p.Thr347=)

Gene: CREB3L3 (cAMP responsive element binding protein 3 like 3; plus strand). Cytogenetic location: 19p13.3.
Variant type: single nucleotide variant.
Coding change: c.1041C>T on transcript NM_032607.3 (MANE Select); coding-DNA position 1041, C replaced by T.
Protein change: p.Thr347=; no amino-acid change (threonine 347 retained).
Molecular consequence: synonymous variant. On other transcripts: nonsense (1).
Genome position (GRCh38, 1-based): chr19:4,171,448, C>T. VCF-style: chr19-4171448-C-T. GRCh37 (hg19) VCF-style: chr19-4171445-C-T.
Other names: c.1038C>T, p.Thr346= (NM_001271995.2); c.1035C>T, p.Thr345= (NM_001271996.2); c.934C>T, p.Arg312Ter (NM_001271997.2); short protein forms R312*.
Identifiers: ClinVar variation 1601542 (VCV001601542.10), dbSNP rs143545033, ClinGen allele CA9091581.

ClinVar aggregate classification (germline): Benign/Likely benign. Review status: criteria provided, multiple submitters, no conflicts (2 of 4 stars). 3 submissions from 3 submitters: Benign (1); Likely benign (2). Last evaluated 2026-07-01.

Allele frequency attached by ClinVar (database versions not stated): 1000 Genomes Project 0.00040; 1000 Genomes Project 30x 0.00047; ExAC 0.00064; gnomAD 0.00078 and 0.00082; TOPMed 0.00078; ESP Exome Variant Server 0.00138.

Submissions (3):

CeGaT Center for Human Genetics Tuebingen
Classification: Likely benign. Last evaluated: 2026-07-01. Review status: criteria provided, single submitter. Criteria: CeGaT Center For Human Genetics Tuebingen Variant Classification Criteria Version 2. Collection method: clinical testing. Allele origin: germline. Affected: yes. Observed: 1 variant allele.
Comment: CREB3L3: BS1

Labcorp Genetics (formerly Invitae), Labcorp
Classification: Benign. Last evaluated: 2025-12-03. Review status: criteria provided, single submitter. Criteria: Invitae Variant Classification Sherloc (09022015). Collection method: clinical testing. Allele origin: germline.

Blueprint Genetics
Classification: Likely benign. Last evaluated: 2024-09-19. Review status: criteria provided, single submitter. Criteria: ACMG Guidelines, 2015. Collection method: clinical testing. Allele origin: germline.